The following is an entry in ClinVar:

NM_213653.4(HJV):c.1151C>T (p.Ala384Val)

Gene: HJV (hemojuvelin BMP co-receptor; minus strand). Cytogenetic location: 1q21.1.
Variant type: single nucleotide variant.
Coding change: c.1151C>T on transcript NM_213653.4 (MANE Select); coding-DNA position 1151, C replaced by T.
Protein change: p.Ala384Val; replaces alanine 384 with valine.
Molecular consequence: missense variant.
Genome position (GRCh38, 1-based): chr1:146,018,207, G>A on the plus strand (C>T on the coding strand, the complement: HJV is on the minus strand). VCF-style: chr1-146018207-G-A. GRCh37 (hg19) VCF-style: chr1-145416806-C-T.
Other names: c.473C>T, p.Ala158Val (NM_001316767.2, NM_202004.4, NM_213652.4); c.1151C>T, p.Ala384Val (NM_001379352.1); c.812C>T, p.Ala271Val (NM_145277.5); short protein forms A158V, A271V, A384V.
Identifiers: ClinVar variation 3385152 (VCV003385152.2).

ClinVar aggregate classification (germline): Uncertain significance. Review status: criteria provided, multiple submitters, no conflicts (2 of 4 stars). 2 submissions from 2 submitters: Uncertain significance (2). Last evaluated 2024-10-22.

gnomAD v4.1: 6 of 1,614,148 alleles (0.00037%); highest among the groups gnomAD compares: Non-Finnish European, 0.00051%; no homozygotes.

Submissions (2):

Blueprint Genetics
Classification: Uncertain significance. Last evaluated: 2024-10-22. Review status: criteria provided, single submitter. Criteria: ACMG Guidelines, 2015. Collection method: clinical testing. Allele origin: germline.

Women's Health and Genetics/Laboratory Corporation of America, LabCorp
Classification: Uncertain significance. Last evaluated: 2024-10-22. Review status: criteria provided, single submitter. Criteria: LabCorp Variant Classification Summary - May 2015. Collection method: clinical testing. Allele origin: germline.
Comment: Variant summary: HJV c.1151C>T (p.Ala384Val) results in a non-conservative amino acid change located in the Repulsive guidance molecule, C-terminal domain (IPR009496) of the encoded protein sequence. Three of four in-silico tools predict a damaging effect of the variant on protein function. The variant allele was found at a frequency of 3.7e-06 in 1614148 control chromosomes. The available data on variant occurrences in the general population are insufficient to allow any conclusion about variant significance. c.1151C>T has been reported in the literature in at least one compound heterozygous individual affected with Hemochromatosis Type 2A (Hamdi-Roze_2019). These data do not allow any conclusion about variant significance. To our knowledge, no experimental evidence demonstrating an impact on protein function has been reported. The following publications have been ascertained in the context of this evaluation (PMID: 30389309, 32824233). No submitters have cited clinical-significance assessments for this variant to ClinVar. Based on the evidence outlined above, the variant was classified as uncertain significance.

Literature cited by the submitters: PubMed 32824233 (cited by Women's Health and Genetics/Laboratory Corporation of America, LabCorp); PubMed 30389309 (cited by Women's Health and Genetics/Laboratory Corporation of America, LabCorp).